The following is an entry in ClinVar:

NM_002055.5(GFAP):c.1207C>T (p.His403Tyr)

Gene: GFAP (glial fibrillary acidic protein; minus strand). Cytogenetic location: 17q21.31.
Variant type: single nucleotide variant.
Coding change: c.1207C>T on transcript NM_002055.5 (MANE Select); coding-DNA position 1207, C replaced by T.
Protein change: p.His403Tyr; replaces histidine 403 with tyrosine.
Molecular consequence: missense variant.
Genome position (GRCh38, 1-based): chr17:44,908,114, G>A on the plus strand (C>T on the coding strand, the complement: GFAP is on the minus strand). VCF-style: chr17-44908114-G-A. GRCh37 (hg19) VCF-style: chr17-42985482-G-A.
Other names: c.1327C>T, p.His443Tyr (NM_001363846.2); short protein forms H403Y, H443Y.
Identifiers: ClinVar variation 1331127 (VCV001331127.2), dbSNP rs1385686936, ClinGen allele CA399839030.

ClinVar aggregate classification (germline): Uncertain significance (1 of 4 stars; one submission).

Allele frequency attached by ClinVar (database versions not stated): gnomAD exomes below 0.00001 and 0.00001.

Submission:

GeneDx
Classification: Uncertain significance. Last evaluated: 2021-07-01. Review status: criteria provided, single submitter. Criteria: GeneDx Variant Classification Process June 2021. Collection method: clinical testing. Allele origin: germline. Affected: yes.
Comment: Not observed at significant frequency in large population cohorts (Lek et al., 2016); In silico analysis supports that this missense variant has a deleterious effect on protein structure/function; Has not been previously published as pathogenic or benign to our knowledge; This variant is associated with the following publications: (PMID: 27535533)